The following is an entry in ClinVar:

ClinVar aggregate classification (germline): Uncertain significance (1 of 4 stars; one submission).

Conditions:
Catecholaminergic polymorphic ventricular tachycardia 1. Also called: VENTRICULAR TACHYCARDIA, STRESS-INDUCED POLYMORPHIC 1; RYR2-Related Catecholaminergic Polymorphic Ventricular Tachycardia; VENTRICULAR TACHYCARDIA, CATECHOLAMINERGIC POLYMORPHIC, 1, WITH OR WITHOUT ATRIAL DYSFUNCTION AND/OR DILATED CARDIOMYOPATHY. Identifiers: Orphanet 3286, MedGen C1631597, MONDO:0011484, OMIM 604772.

Submission:

3billion
Classification: Uncertain significance for Catecholaminergic polymorphic ventricular tachycardia 1. Last evaluated: 2023-12-13. Review status: criteria provided, single submitter. Criteria: ACMG Guidelines, 2015. Collection method: clinical testing. Allele origin: germline. Affected: yes.
Comment: The variant is not observed in the gnomAD v2.1.1 dataset. Predicted Consequence/Location: Missense changes are a common disease-causing mechanism. In silico tool predictions suggest damaging effect of the variant on gene or gene product [REVEL: 0.73 (>=0.6, sensitivity 0.68 and specificity 0.92)]. Therefore, this variant is classified as VUS according to the recommendation of ACMG/AMP guideline.

NM_001035.3(RYR2):c.11859T>A (p.His3953Gln)

Gene: RYR2 (ryanodine receptor 2; plus strand). Cytogenetic location: 1q43.
Variant type: single nucleotide variant.
Coding change: c.11859T>A on transcript NM_001035.3 (MANE Select); coding-DNA position 11859, T replaced by A.
Protein change: p.His3953Gln; replaces histidine 3953 with glutamine.
Molecular consequence: missense variant.
Genome position (GRCh38, 1-based): chr1:237,778,749, T>A. VCF-style: chr1-237778749-T-A. GRCh37 (hg19) VCF-style: chr1-237942049-T-A.
Other names: short protein forms H3953Q.
Identifiers: ClinVar variation 3775443 (VCV003775443.1).